The following is an entry in ClinVar:

NM_001349253.2(SCN11A):c.2671T>C (p.Ser891Pro)

Gene: SCN11A (sodium voltage-gated channel alpha subunit 11; minus strand). Cytogenetic location: 3p22.2.
Variant type: single nucleotide variant.
Coding change: c.2671T>C on transcript NM_001349253.2 (MANE Select); coding-DNA position 2671, T replaced by C.
Protein change: p.Ser891Pro; replaces serine 891 with proline.
Molecular consequence: missense variant.
Genome position (GRCh38, 1-based): chr3:38,894,697, A>G on the plus strand (T>C on the coding strand, the complement: SCN11A is on the minus strand). VCF-style: chr3-38894697-A-G. GRCh37 (hg19) VCF-style: chr3-38936188-A-G.
Other names: c.2671T>C, p.Ser891Pro (NM_014139.3); short protein forms S891P.
Identifiers: ClinVar variation 1794564 (VCV001794564.7), dbSNP rs2470560911, ClinGen allele CA352174633.

ClinVar aggregate classification (germline): Uncertain significance. Review status: criteria provided, multiple submitters, no conflicts (2 of 4 stars). 2 submissions from 2 submitters: Uncertain significance (2). Last evaluated 2022-01-28.

Conditions:
Inborn genetic diseases. Identifiers: MedGen C0950123, MeSH D030342.
Hereditary sensory and autonomic neuropathy type 7. Also called: HSAN VII; Neuropathy, hereditary sensory and autonomic, type VII. Identifiers: Orphanet 391397, MedGen C3809882, MONDO:0014244, OMIM 615548.
Familial episodic pain syndrome with predominantly lower limb involvement. Also called: Episodic pain syndrome, familial, 3. Identifiers: Orphanet 391384, Orphanet 391392, MedGen C3809899, MONDO:0014247, OMIM 615552.

Submissions (2):

Labcorp Genetics (formerly Invitae), Labcorp
Classification: Uncertain significance for Familial episodic pain syndrome with predominantly lower limb involvement; Hereditary sensory and autonomic neuropathy type 7. Last evaluated: 2022-01-28. Review status: criteria provided, single submitter. Criteria: Invitae Variant Classification Sherloc (09022015). Collection method: clinical testing. Allele origin: germline.
Comment: This sequence change replaces serine, which is neutral and polar, with proline, which is neutral and non-polar, at codon 891 of the SCN11A protein (p.Ser891Pro). This variant is not present in population databases (gnomAD no frequency). In summary, the available evidence is currently insufficient to determine the role of this variant in disease. Therefore, it has been classified as a Variant of Uncertain Significance. Algorithms developed to predict the effect of missense changes on protein structure and function output the following: SIFT: "Tolerated"; PolyPhen-2: "Benign"; Align-GVGD: "Class C0". The proline amino acid residue is found in multiple mammalian species, which suggests that this missense change does not adversely affect protein function. This variant has not been reported in the literature in individuals affected with SCN11A-related conditions.

Ambry Genetics
Classification: Uncertain significance for Inborn genetic diseases. Last evaluated: 2020-11-03. Review status: criteria provided, single submitter. Criteria: Ambry Variant Classification Scheme 2023. Collection method: clinical testing. Allele origin: germline.
Comment: The p.S891P variant (also known as c.2671T>C), located in coding exon 15 of the SCN11A gene, results from a T to C substitution at nucleotide position 2671. The serine at codon 891 is replaced by proline, an amino acid with similar properties. This amino acid position is not well conserved in available vertebrate species, and proline is the reference amino acid in other vertebrate species. In addition, this alteration is predicted to be tolerated by in silico analysis. Since supporting evidence is limited at this time, the clinical significance of this alteration remains unclear.